The following is an entry in ClinVar:

NM_001852.4(COL9A2):c.1501G>T (p.Ala501Ser)

Gene: COL9A2 (collagen type IX alpha 2 chain; minus strand). Cytogenetic location: 1p34.2.
Variant type: single nucleotide variant.
Coding change: c.1501G>T on transcript NM_001852.4 (MANE Select); coding-DNA position 1501, G replaced by T.
Protein change: p.Ala501Ser; replaces alanine 501 with serine.
Molecular consequence: missense variant.
Genome position (GRCh38, 1-based): chr1:40,303,577, C>A on the plus strand (G>T on the coding strand, the complement: COL9A2 is on the minus strand). VCF-style: chr1-40303577-C-A. GRCh37 (hg19) VCF-style: chr1-40769249-C-A.
Other names: short protein forms A501S.
Identifiers: ClinVar variation 3700245 (VCV003700245.2).
Genomic context (GRCh38, chr1:40,303,577, plus strand): 5'-GGGCCCGACTCACCTCCACGCCCTGTCTCCCGGGCTGTCCTGGCACGCCTCGGTTCCCGG[C>A]CAGTCCTCGAGGGCCGGGGGGACCAGGGTAGCCCTGAACCCCTGGGGCGCCCGCATCCCC-3'
Protein context (NP_001843.1, residues 491-511): YPGPPGPRGL[Ala501Ser]GNRGVPGQPG

ClinVar aggregate classification (germline): Uncertain significance (1 of 4 stars; one submission).

Submission:

Labcorp Genetics (formerly Invitae), Labcorp
Classification: Uncertain significance. Last evaluated: 2024-09-15. Review status: criteria provided, single submitter. Criteria: Invitae Variant Classification Sherloc (09022015). Collection method: clinical testing. Allele origin: germline.
Comment: This sequence change replaces alanine, which is neutral and non-polar, with serine, which is neutral and polar, at codon 501 of the COL9A2 protein (p.Ala501Ser). This variant is not present in population databases (gnomAD no frequency). This variant has not been reported in the literature in individuals affected with COL9A2-related conditions. Invitae Evidence Modeling of protein sequence and biophysical properties (such as structural, functional, and spatial information, amino acid conservation, physicochemical variation, residue mobility, and thermodynamic stability) indicates that this missense variant is not expected to disrupt COL9A2 protein function with a negative predictive value of 95%. In summary, the available evidence is currently insufficient to determine the role of this variant in disease. Therefore, it has been classified as a Variant of Uncertain Significance.